The following is an entry in ClinVar:

NM_024301.5(FKRP):c.1427G>A (p.Gly476Glu)

Gene: FKRP (fukutin related protein; plus strand). Cytogenetic location: 19q13.32.
Variant type: single nucleotide variant.
Coding change: c.1427G>A on transcript NM_024301.5 (MANE Select); coding-DNA position 1427, G replaced by A.
Protein change: p.Gly476Glu; replaces glycine 476 with glutamic acid.
Molecular consequence: missense variant.
Genome position (GRCh38, 1-based): chr19:46,756,877, G>A. VCF-style: chr19-46756877-G-A. GRCh37 (hg19) VCF-style: chr19-47260134-G-A.
Other names: p.Gly476Glu; c.1427G>A, p.Gly476Glu (NM_001039885.3); short protein forms G476E.
Identifiers: ClinVar variation 936918 (VCV000936918.14), dbSNP rs375326964, ClinGen allele CA9532319.

ClinVar aggregate classification (germline): Uncertain significance. Review status: criteria provided, multiple submitters, no conflicts (2 of 4 stars). 7 submissions from 7 submitters: Uncertain significance (6). 1 of the submissions does not count toward it. Last evaluated 2025-02-26.

Conditions:
Walker-Warburg congenital muscular dystrophy. Also called: Muscular dystrophy-dystroglycanopathy, type A; Walker-Warburg syndrome. Identifiers: Orphanet 899, MedGen C0265221, MONDO:0000171.
Muscular dystrophy-dystroglycanopathy (congenital with brain and eye anomalies), type A5. Also called: WALKER-WARBURG SYNDROME OR MUSCLE-EYE-BRAIN DISEASE, FKRP-RELATED; MUSCULAR DYSTROPHY-DYSTROGLYCANOPATHY (CONGENITAL WITH BRAIN AND EYE ANOMALIES), TYPE A, 5. Identifiers: Orphanet 588, Orphanet 899, MedGen C3150413, MONDO:0013157, OMIM 613153.
Muscular dystrophy-dystroglycanopathy type B5 (MDDGB5). Also called: MUSCULAR DYSTROPHY-DYSTROGLYCANOPATHY (CONGENITAL WITH OR WITHOUT IMPAIRED INTELLECTUAL DEVELOPMENT), TYPE B, 5; MUSCULAR DYSTROPHY, CONGENITAL, 1C; MUSCULAR DYSTROPHY, CONGENITAL, FKRP-RELATED. Identifiers: MedGen C1847759, MONDO:0011688, OMIM 606612.
Autosomal recessive limb-girdle muscular dystrophy type 2I. Also called: MUSCULAR DYSTROPHY-DYSTROGLYCANOPATHY (LIMB-GIRDLE), TYPE C, 5; MUSCULAR DYSTROPHY-DYSTROGLYCANOPATHY, LIMB-GIRDLE, FRKP-RELATED; MUSCULAR DYSTROPHY, LIMB-GIRDLE, TYPE 2I. Identifiers: Orphanet 34515, MedGen C1846672, MONDO:0011787, OMIM 607155.
Muscular dystrophy-dystroglycanopathy (congenital with brain and eye anomalies), type A1 (MDDGA1). Also called: Muscular dystrophy-dystroglycanopathy (congenital with brain and eye anomalies), type A, 1; WALKER-WARBURG SYNDROME OR MUSCLE-EYE-BRAIN DISEASE, POMT1-RELATED; Hydrocephalus, agyria and retinal dysplasia; Hard +/- E syndrome; Warburg syndrome; Chemke syndrome. Identifiers: Orphanet 588, Orphanet 899, MedGen C4284790, MONDO:0009364, OMIM 236670.
Cardiovascular phenotype. Identifiers: MedGen CN230736.

Allele frequency attached by ClinVar (database versions not stated): gnomAD exomes 0.00004 and 0.00007; TOPMed 0.00004; ExAC 0.00005; gnomAD 0.00005; ESP Exome Variant Server 0.00015.
gnomAD v4.1: 107 of 1,612,146 alleles (0.0066%); highest among the groups gnomAD compares: Non-Finnish European, 0.0089%; no homozygotes.

Submissions (7):

Mayo Clinic Laboratories, Mayo Clinic
Classification: Uncertain significance. Last evaluated: 2025-02-26. Review status: criteria provided, single submitter. Criteria: ACMG Guidelines, 2015. Collection method: clinical testing. Allele origin: germline. Observed: 1 variant allele.
Comment: PP3, PM2_supporting

Revvity Omics, Revvity
Classification: Uncertain significance. Last evaluated: 2025-02-07. Review status: criteria provided, single submitter. Criteria: ACMG Guidelines, 2015. Collection method: clinical testing. Allele origin: germline.

GeneDx
Classification: Uncertain significance. Last evaluated: 2024-12-11. Review status: criteria provided, single submitter. Criteria: GeneDx Variant Classification Process June 2021. Collection method: clinical testing. Allele origin: germline. Affected: yes.
Comment: Not observed at significant frequency in large population cohorts (gnomAD); Missense variants in this gene are a common cause of disease and they are underrepresented in the general population; In silico analysis supports that this missense variant has a deleterious effect on protein structure/function; Has not been previously published as pathogenic or benign to our knowledge; This variant is associated with the following publications: (PMID: 27439679)

Ambry Genetics
Classification: Uncertain significance for Cardiovascular phenotype. Last evaluated: 2023-10-19. Review status: criteria provided, single submitter. Criteria: Ambry Variant Classification Scheme 2023. Collection method: clinical testing. Allele origin: germline.
Comment: The p.G476E variant (also known as c.1427G>A), located in coding exon 1 of the FKRP gene, results from a G to A substitution at nucleotide position 1427. The glycine at codon 476 is replaced by glutamic acid, an amino acid with similar properties. This amino acid position is highly conserved in available vertebrate species. In addition, this alteration is predicted to be deleterious by in silico analysis. Since supporting evidence is limited at this time, the clinical significance of this alteration remains unclear.

Labcorp Genetics (formerly Invitae), Labcorp
Classification: Uncertain significance for Walker-Warburg congenital muscular dystrophy. Last evaluated: 2022-10-13. Review status: criteria provided, single submitter. Criteria: Invitae Variant Classification Sherloc (09022015). Collection method: clinical testing. Allele origin: germline.
Comment: This sequence change replaces glycine, which is neutral and non-polar, with glutamic acid, which is acidic and polar, at codon 476 of the FKRP protein (p.Gly476Glu). This variant is present in population databases (rs375326964, gnomAD 0.009%). This variant has not been reported in the literature in individuals affected with FKRP-related conditions. ClinVar contains an entry for this variant (Variation ID: 936918). Advanced modeling of protein sequence and biophysical properties (such as structural, functional, and spatial information, amino acid conservation, physicochemical variation, residue mobility, and thermodynamic stability) performed at Invitae indicates that this missense variant is expected to disrupt FKRP protein function. In summary, the available evidence is currently insufficient to determine the role of this variant in disease. Therefore, it has been classified as a Variant of Uncertain Significance.

Fulgent Genetics
Classification: Uncertain significance for Muscular dystrophy-dystroglycanopathy (congenital with brain and eye anomalies), type A1; Muscular dystrophy-dystroglycanopathy type B5; Autosomal recessive limb-girdle muscular dystrophy type 2I; Muscular dystrophy-dystroglycanopathy (congenital with brain and eye anomalies), type A5. Last evaluated: 2021-08-13. Review status: criteria provided, single submitter. Criteria: ACMG Guidelines, 2015. Collection method: clinical testing. Allele origin: unknown.

Natera, Inc.
Classification: Uncertain significance for Limb-girdle muscular dystrophy type 2I. Last evaluated: 2020-02-21. Review status: no assertion criteria provided. Collection method: clinical testing. Allele origin: germline. Not counted in ClinVar's aggregate classification.